The following is an entry in ClinVar:

NM_001018115.3(FANCD2):c.77A>C (p.Gln26Pro)

Genes: FANCD2 (FA complementation group D2; plus strand), LOC107303338 (3p25 FANCD2 Alu-mediated recombination region; plus strand). Cytogenetic location: 3p25.3.
Variant type: single nucleotide variant.
Coding change: c.77A>C on transcript NM_001018115.3 (MANE Select); coding-DNA position 77, A replaced by C.
Protein change: p.Gln26Pro; replaces glutamine 26 with proline.
Molecular consequence: missense variant.
Genome position (GRCh38, 1-based): chr3:10,032,844, A>C. VCF-style: chr3-10032844-A-C. GRCh37 (hg19) VCF-style: chr3-10074528-A-C.
Other names: c.77A>C, p.Gln26Pro (NM_001319984.2, NM_001374253.1, NM_001374254.1 and 2 more transcripts); short protein forms Q26P.
Identifiers: ClinVar variation 2742088 (VCV002742088.3), dbSNP rs2470708731, ClinGen allele CA351717907.

ClinVar aggregate classification (germline): Uncertain significance (1 of 4 stars; one submission).

Conditions:
Fanconi anemia (FA). Also called: Fanconi's anemia. Identifiers: Orphanet 84, MedGen C0015625, MeSH D005199, MONDO:0019391.

Allele frequency attached by ClinVar (database versions not stated): gnomAD exomes below 0.00001.
gnomAD v4.1: 2 of 1,613,166 alleles (0.00012%); highest among the groups gnomAD compares: Non-Finnish European, 0.000085%; no homozygotes.

Submission:

Labcorp Genetics (formerly Invitae), Labcorp
Classification: Uncertain significance for Fanconi anemia. Last evaluated: 2023-04-16. Review status: criteria provided, single submitter. Criteria: Invitae Variant Classification Sherloc (09022015). Collection method: clinical testing. Allele origin: germline.
Comment: In summary, the available evidence is currently insufficient to determine the role of this variant in disease. Therefore, it has been classified as a Variant of Uncertain Significance. Algorithms developed to predict the effect of missense changes on protein structure and function output the following: SIFT: "Not Available"; PolyPhen-2: "Benign"; Align-GVGD: "Not Available". The proline amino acid residue is found in multiple mammalian species, which suggests that this missense change does not adversely affect protein function. This variant has not been reported in the literature in individuals affected with FANCD2-related conditions. This variant is not present in population databases (gnomAD no frequency). This sequence change replaces glutamine, which is neutral and polar, with proline, which is neutral and non-polar, at codon 26 of the FANCD2 protein (p.Gln26Pro).